The following is an entry in ClinVar:

NM_021926.4(ALX4):c.*2673T>A

Gene: ALX4 (ALX homeobox 4; minus strand). Cytogenetic location: 11p11.2.
Variant type: single nucleotide variant.
Coding change: c.*2673T>A on transcript NM_021926.4 (MANE Select); 2673 bases downstream of the stop codon, T replaced by A.
Molecular consequence: 3 prime UTR variant.
Genome position (GRCh38, 1-based): chr11:44,262,181, A>T on the plus strand (T>A on the coding strand, the complement: ALX4 is on the minus strand). VCF-style: chr11-44262181-A-T. GRCh37 (hg19) VCF-style: chr11-44283731-A-T.
Other names: c.*2673T>A (LRG_1256t1).
Identifiers: ClinVar variation 304634 (VCV000304634.6), dbSNP rs146304390, ClinGen allele CA10639088.

ClinVar aggregate classification (germline): Benign. Review status: criteria provided, multiple submitters, no conflicts (2 of 4 stars). 2 submissions from 2 submitters: Benign (2). Last evaluated 2018-01-13.

Conditions:
Parietal foramina 2 (PFM2). Identifiers: Orphanet 60015, MedGen C1865044, MONDO:0012309, OMIM 609597.

Allele frequency attached by ClinVar (database versions not stated): 1000 Genomes Project 30x 0.00031; 1000 Genomes Project 0.00040; gnomAD 0.00253 and 0.00260; TOPMed 0.00261; gnomAD exomes 0.00481.

Submissions (2):

Illumina Laboratory Services, Illumina
Classification: Benign for Parietal foramina 2. Last evaluated: 2018-01-13. Review status: criteria provided, single submitter. Criteria: ICSL Variant Classification Criteria 13 December 2019. Collection method: clinical testing. Allele origin: germline.
Comment: This variant was observed in the ICSL laboratory as part of a predisposition screen in an ostensibly healthy population. It had not been previously curated by ICSL or reported in the Human Gene Mutation Database (HGMD: prior to June 1st, 2018), and was therefore a candidate for classification through an automated scoring system. Utilizing variant allele frequency, disease prevalence and penetrance estimates, and inheritance mode, an automated score was calculated to assess if this variant is too frequent to cause the disease. Based on the score and internal cut-off values, a variant classified as benign is not then subjected to further curation. The score for this variant resulted in a classification of benign for this disease.

Breakthrough Genomics
Classification: Benign. Review status: criteria provided, single submitter. Criteria: ACMG Guidelines, 2015. Collection method: not provided. Allele origin: germline. Inheritance: Autosomal recessive inheritance. Affected: yes.